The following is an entry in ClinVar:

ClinVar aggregate classification (germline): Conflicting classifications of pathogenicity. Review status: criteria provided, conflicting classifications (1 of 4 stars). 2 submissions from 2 submitters: Uncertain significance (1); Likely benign (1). Last evaluated 2025-11-04.

Conditions:
Cardiovascular phenotype. Identifiers: MedGen CN230736.
Familial hypobetalipoproteinemia 1. Also called: APOB-Related Familial Hypobetalipoproteinemia; Hypobetalipoproteinemia, normotriglyceridemic; Acanthocytosis with hypobetalipoproteinemia. Identifiers: MedGen C4551990, MONDO:0014252, OMIM 615558.
Hypercholesterolemia, autosomal dominant, type B (FHCL2). Also called: Familial Hypercholesterolemia Type B; APOLIPOPROTEIN B-100, FAMILIAL DEFECTIVE; APOLIPOPROTEIN B-100, FAMILIAL LIGAND-DEFECTIVE; HYPERCHOLESTEROLEMIA, FAMILIAL, DUE TO LIGAND-DEFECTIVE APOLIPOPROTEIN B; Hyperlipoproteinemia Type IIb; Familial hypercholesterolemia 2. Identifiers: MedGen C1704417, MONDO:0007751, OMIM 144010.

Allele frequency attached by ClinVar (database versions not stated): gnomAD exomes below 0.00001 and 0.00001; gnomAD 0.00001; TOPMed 0.00001.
gnomAD v4.1: 15 of 1,613,882 alleles (0.00093%); highest among the groups gnomAD compares: Non-Finnish European, 0.001%; no homozygotes.

Submissions (2):

Ambry Genetics
Classification: Uncertain significance for Cardiovascular phenotype. Last evaluated: 2025-11-04. Review status: criteria provided, single submitter. Criteria: Ambry Variant Classification Scheme 2023. Collection method: clinical testing. Allele origin: germline.
Comment: The p.I3661V variant (also known as c.10981A>G), located in coding exon 26 of the APOB gene, results from an A to G substitution at nucleotide position 10981. The isoleucine at codon 3661 is replaced by valine, an amino acid with highly similar properties. This amino acid position is conserved. In addition, this alteration is predicted to be tolerated by in silico analysis. Based on the available evidence, the clinical significance of this variant remains unclear.

Labcorp Genetics (formerly Invitae), Labcorp
Classification: Likely benign for Familial hypobetalipoproteinemia 1; Hypercholesterolemia, autosomal dominant, type B. Last evaluated: 2024-09-26. Review status: criteria provided, single submitter. Criteria: Invitae Variant Classification Sherloc (09022015). Collection method: clinical testing. Allele origin: germline.

NM_000384.3(APOB):c.10981A>G (p.Ile3661Val)

Gene: APOB (apolipoprotein B; minus strand). Cytogenetic location: 2p24.1.
Variant type: single nucleotide variant.
Coding change: c.10981A>G on transcript NM_000384.3 (MANE Select); coding-DNA position 10981, A replaced by G.
Protein change: p.Ile3661Val; replaces isoleucine 3661 with valine.
Molecular consequence: missense variant.
Genome position (GRCh38, 1-based): chr2:21,005,887, T>C on the plus strand (A>G on the coding strand, the complement: APOB is on the minus strand). VCF-style: chr2-21005887-T-C. GRCh37 (hg19) VCF-style: chr2-21228759-T-C.
Other names: short protein forms I3661V.
Identifiers: ClinVar variation 2932650 (VCV002932650.4), dbSNP rs1435270860, ClinGen allele CA345984123.